The following is an entry in ClinVar:

NM_000059.4(BRCA2):c.9501+961T>C

Gene: BRCA2 (BRCA2 DNA repair associated; plus strand). Cytogenetic location: 13q13.1.
Variant type: single nucleotide variant.
Coding change: c.9501+961T>C on transcript NM_000059.4 (MANE Select); 961 bases into the intron after coding-DNA position 9501, T replaced by C.
Molecular consequence: intron variant.
Genome position (GRCh38, 1-based): chr13:32,395,894, T>C. VCF-style: chr13-32395894-T-C. GRCh37 (hg19) VCF-style: chr13-32970031-T-C.
Other names: IVS 25+961T>C.
Identifiers: ClinVar variation 209912 (VCV000209912.2), dbSNP rs1012130, ClinGen allele CA276880.

ClinVar aggregate classification (germline): Benign. Review status: reviewed by expert panel (3 of 4 stars). 2 submissions from 2 submitters: Benign (1). 1 of the submissions does not count toward it. Last evaluated 2015-01-12.

Conditions:
Breast-ovarian cancer, familial, susceptibility to, 2 (BROVCA2). Also called: BRCA2 Hereditary Breast and Ovarian Cancer. Identifiers: Orphanet 145, MedGen C2675520, MONDO:0012933, OMIM 612555. Disease mechanism: loss of function.

Allele frequency attached by ClinVar (database versions not stated): 1000 Genomes Project 0.20487; 1000 Genomes Project 30x 0.20737; gnomAD exomes 0.20794; TOPMed 0.24975; gnomAD 0.24999 and 0.25562.
gnomAD v4.1: 45,684 of 189,324 alleles (24%); highest among the groups gnomAD compares: Admixed American, 28%; 6,236 homozygotes.

Submissions (2):

Evidence-based Network for the Interpretation of Germline Mutant Alleles (ENIGMA)
Classification: Benign for Breast-ovarian cancer, familial 2. Last evaluated: 2015-01-12. Review status: reviewed by expert panel. Criteria: ENIGMA BRCA1/2 Classification Criteria (2015). Collection method: curation. Allele origin: germline.
Comment: Class 1 not pathogenic based on frequency >1% in an outbred sampleset. Frequency 0.08392 (Asian), 0.3069 (African), 0.285 (European), derived from 1000 genomes (2012-04-30).

Breakthrough Genomics
Classification: Benign. Review status: criteria provided, single submitter. Criteria: ACMG Guidelines, 2015. Collection method: not provided. Allele origin: germline. Inheritance: Autosomal recessive inheritance. Affected: yes. Not counted in ClinVar's aggregate classification.